The following is an entry in ClinVar:

ClinVar aggregate classification (germline): Uncertain significance. Review status: criteria provided, multiple submitters, no conflicts (2 of 4 stars). 2 submissions from 2 submitters: Uncertain significance (2). Last evaluated 2022-06-11.

Conditions:
Brown-Vialetto-van Laere syndrome 2. Also called: Riboflavin transporter deficiency type 2; SPINOCEREBELLAR ATAXIA WITH BLINDNESS AND DEAFNESS 2. Identifiers: Orphanet 572543, Orphanet 97229, MedGen C3553538, MONDO:0013867, OMIM 614707.

Allele frequency attached by ClinVar (database versions not stated): gnomAD 0.00002 and 0.00003; 1000 Genomes Project 30x 0.00016; 1000 Genomes Project 0.00020; TOPMed 0.00002.

Submissions (2):

Baylor Genetics
Classification: Uncertain significance for Brown-Vialetto-van Laere syndrome 2. Last evaluated: 2022-06-11. Review status: criteria provided, single submitter. Criteria: ACMG Guidelines, 2015. Collection method: clinical testing. Allele origin: unknown.

Labcorp Genetics (formerly Invitae), Labcorp
Classification: Uncertain significance for Brown-Vialetto-van Laere syndrome 2. Last evaluated: 2022-02-12. Review status: criteria provided, single submitter. Criteria: Invitae Variant Classification Sherloc (09022015). Collection method: clinical testing. Allele origin: germline.
Comment: This sequence change replaces methionine, which is neutral and non-polar, with valine, which is neutral and non-polar, at codon 423 of the SLC52A2 protein (p.Met423Val). This variant is present in population databases (rs560659799, gnomAD 0.03%). This variant has not been reported in the literature in individuals affected with SLC52A2-related conditions. ClinVar contains an entry for this variant (Variation ID: 540430). Advanced modeling of protein sequence and biophysical properties (such as structural, functional, and spatial information, amino acid conservation, physicochemical variation, residue mobility, and thermodynamic stability) performed at Invitae indicates that this missense variant is expected to disrupt SLC52A2 protein function. In summary, the available evidence is currently insufficient to determine the role of this variant in disease. Therefore, it has been classified as a Variant of Uncertain Significance.

NM_001363118.2(SLC52A2):c.1267A>G (p.Met423Val)

Gene: SLC52A2 (solute carrier family 52 member 2; plus strand). Cytogenetic location: 8q24.3.
Variant type: single nucleotide variant.
Coding change: c.1267A>G on transcript NM_001363118.2 (MANE Select); coding-DNA position 1267, A replaced by G.
Protein change: p.Met423Val; replaces methionine 423 with valine.
Molecular consequence: missense variant. On other transcripts: non-coding transcript variant (1).
Genome position (GRCh38, 1-based): chr8:144,360,944, A>G. VCF-style: chr8-144360944-A-G. GRCh37 (hg19) VCF-style: chr8-145584604-A-G.
Other names: c.1267A>G, p.Met423Val (NM_001253815.2, NM_001253816.2, NM_001363120.2 and 2 more transcripts); c.775A>G, p.Met259Val (NM_001363122.2); short protein forms M423V, M259V.
Identifiers: ClinVar variation 540430 (VCV000540430.4), dbSNP rs560659799, ClinGen allele CA4938452.